The following is an entry in ClinVar:

NM_007055.4(POLR3A):c.2092A>G (p.Ile698Val)

Gene: POLR3A (RNA polymerase III subunit A; minus strand). Cytogenetic location: 10q22.3.
Variant type: single nucleotide variant.
Coding change: c.2092A>G on transcript NM_007055.4 (MANE Select); coding-DNA position 2092, A replaced by G.
Protein change: p.Ile698Val; replaces isoleucine 698 with valine.
Molecular consequence: missense variant.
Genome position (GRCh38, 1-based): chr10:78,004,871, T>C on the plus strand (A>G on the coding strand, the complement: POLR3A is on the minus strand). VCF-style: chr10-78004871-T-C. GRCh37 (hg19) VCF-style: chr10-79764629-T-C.
Other names: c.2092A>G (NM_007055.3); short protein forms I698V.
Identifiers: ClinVar variation 1505611 (VCV001505611.7), dbSNP rs775716660, ClinGen allele CA5571215.
Genomic context (GRCh38, chr10:78,004,871, plus strand): 5'-TCAGCAACTCATACTTGGCCTTCAGCAGTCCTTGGCCAGGTGTGACATCACCGATCCCAA[T>C]TGAGAAACCACGGTTAGCTGTTGAGTTGGTAGAGCAGGAAGAAAGGGCCATAAATGAGAC-3'
Protein context (NP_008986.2, residues 688-708): PVYLSNRGFS[Ile698Val]GIGDVTPGQG

ClinVar aggregate classification (germline): Uncertain significance. Review status: criteria provided, multiple submitters, no conflicts (2 of 4 stars). 2 submissions from 2 submitters: Uncertain significance (2). Last evaluated 2025-10-14.

Conditions:
Inborn genetic diseases. Identifiers: MedGen C0950123, MeSH D030342.

Allele frequency attached by ClinVar (database versions not stated): gnomAD 0.00001; TOPMed 0.00006.
gnomAD v4.1: 36 of 1,613,958 alleles (0.0022%); highest among the groups gnomAD compares: East Asian, 0.011%; no homozygotes.

Submissions (2):

Ambry Genetics
Classification: Uncertain significance for Inborn genetic diseases. Last evaluated: 2025-10-14. Review status: criteria provided, single submitter. Criteria: Ambry Variant Classification Scheme 2023. Collection method: clinical testing. Allele origin: germline.
Comment: The c.2092A>G (p.I698V) alteration is located in exon 16 (coding exon 16) of the POLR3A gene. This alteration results from a A to G substitution at nucleotide position 2092, causing the isoleucine (I) at amino acid position 698 to be replaced by a valine (V). Based on data from gnomAD, the G allele has an overall frequency of 0.003% (9/282864) total alleles studied. The highest observed frequency was 0.016% (4/24966) of African alleles. Based on insufficient or conflicting evidence, the clinical significance of this alteration remains unclear.

Labcorp Genetics (formerly Invitae), Labcorp
Classification: Uncertain significance. Last evaluated: 2022-06-13. Review status: criteria provided, single submitter. Criteria: Invitae Variant Classification Sherloc (09022015). Collection method: clinical testing. Allele origin: germline.
Comment: This sequence change replaces isoleucine, which is neutral and non-polar, with valine, which is neutral and non-polar, at codon 698 of the POLR3A protein (p.Ile698Val). This variant is present in population databases (rs775716660, gnomAD 0.02%). This variant has not been reported in the literature in individuals affected with POLR3A-related conditions. Algorithms developed to predict the effect of missense changes on protein structure and function (SIFT, PolyPhen-2, Align-GVGD) all suggest that this variant is likely to be tolerated. Algorithms developed to predict the effect of sequence changes on RNA splicing suggest that this variant may create or strengthen a splice site. In summary, the available evidence is currently insufficient to determine the role of this variant in disease. Therefore, it has been classified as a Variant of Uncertain Significance.